The following is an entry in ClinVar:

NM_001374385.1(ATP8B1):c.316A>T (p.Thr106Ser)

Gene: ATP8B1 (ATPase phospholipid transporting 8B1; minus strand). Cytogenetic location: 18q21.31.
Variant type: single nucleotide variant.
Coding change: c.316A>T on transcript NM_001374385.1 (MANE Select); coding-DNA position 316, A replaced by T.
Protein change: p.Thr106Ser; replaces threonine 106 with serine.
Molecular consequence: missense variant.
Genome position (GRCh38, 1-based): chr18:57,704,632, T>A on the plus strand (A>T on the coding strand, the complement: ATP8B1 is on the minus strand). VCF-style: chr18-57704632-T-A. GRCh37 (hg19) VCF-style: chr18-55371864-T-A.
Other names: c.166A>T, p.Thr56Ser (NM_001374386.1); c.316A>T, p.Thr106Ser (NM_005603.6); short protein forms T106S, T56S.
Identifiers: ClinVar variation 2429102 (VCV002429102.4), dbSNP rs1394752340, ClinGen allele CA402549593.

ClinVar aggregate classification (germline): Uncertain significance (1 of 4 stars; one submission).

Allele frequency attached by ClinVar (database versions not stated): gnomAD 0.00001.
gnomAD v4.1: 2 of 1,610,672 alleles (0.00012%); highest among the groups gnomAD compares: African/African-American, 0.0027%; no homozygotes.

Submission:

Greenwood Genetic Center Diagnostic Laboratories, Greenwood Genetic Center
Classification: Uncertain significance. Last evaluated: 2022-11-14. Review status: criteria provided, single submitter. Criteria: ACMG Guidelines, 2015. Collection method: clinical testing. Allele origin: germline. Affected: yes.
Comment: PM2